The following is an entry in ClinVar:

ClinVar aggregate classification (germline): Pathogenic (1 of 4 stars; one submission).

Submission:

GeneDx
Classification: Pathogenic. Last evaluated: 2025-01-07. Review status: criteria provided, single submitter. Criteria: GeneDx Variant Classification Process June 2021. Collection method: clinical testing. Allele origin: germline. Affected: yes.
Comment: In silico analysis supports that this missense variant has a deleterious effect on protein structure/function; Not observed at significant frequency in large population cohorts (gnomAD); This variant is associated with the following publications: (PMID: 35982159, 31785789, 33057194, 37901860, 37541188)

NM_014232.3(VAMP2):c.197G>C (p.Arg66Pro)

Gene: VAMP2 (vesicle associated membrane protein 2; minus strand). Cytogenetic location: 17p13.1.
Variant type: single nucleotide variant.
Coding change: c.197G>C on transcript NM_014232.3 (MANE Select); coding-DNA position 197, G replaced by C.
Protein change: p.Arg66Pro; replaces arginine 66 with proline.
Molecular consequence: missense variant.
Genome position (GRCh38, 1-based): chr17:8,161,693, C>G on the plus strand (G>C on the coding strand, the complement: VAMP2 is on the minus strand). VCF-style: chr17-8161693-C-G. GRCh37 (hg19) VCF-style: chr17-8065011-C-G.
Other names: c.203G>C, p.Arg68Pro (NM_001330125.1); short protein forms R68P, R66P.
Identifiers: ClinVar variation 4055786 (VCV004055786.1).